The following is an entry in ClinVar:

NM_016169.4(SUFU):c.841C>A (p.Pro281Thr)

Gene: SUFU (SUFU negative regulator of hedgehog signaling; plus strand). Cytogenetic location: 10q24.32.
Variant type: single nucleotide variant.
Coding change: c.841C>A on transcript NM_016169.4 (MANE Select); coding-DNA position 841, C replaced by A.
Protein change: p.Pro281Thr; replaces proline 281 with threonine.
Molecular consequence: missense variant.
Genome position (GRCh38, 1-based): chr10:102,597,224, C>A. VCF-style: chr10-102597224-C-A. GRCh37 (hg19) VCF-style: chr10-104356981-C-A.
Other names: c.841C>A, p.Pro281Thr (NM_001178133.2); short protein forms P281T.
Identifiers: ClinVar variation 963757 (VCV000963757.11), dbSNP rs2063471841, ClinGen allele CA377910580.

ClinVar aggregate classification (germline): Uncertain significance. Review status: criteria provided, multiple submitters, no conflicts (2 of 4 stars). 2 submissions from 2 submitters: Uncertain significance (2). Last evaluated 2025-10-28.

Conditions:
Gorlin syndrome. Also called: Basal cell nevus syndrome; Nevoid Basal Cell Carcinoma Syndrome. Identifiers: Orphanet 377, MedGen C0004779, MONDO:0007187.
Medulloblastoma (MDB). Also called: MEDULLOBLASTOMA PREDISPOSITION SYNDROME; Medulloblastoma, somatic. Identifiers: Orphanet 616, MedGen C0025149, MeSH D008527, MONDO:0007959, OMIM 155255, HP:0002885.
Hereditary cancer-predisposing syndrome. Also called: Hereditary neoplastic syndrome; Tumor predisposition; Neoplastic Syndromes, Hereditary; Hereditary Cancer Syndrome. Identifiers: Orphanet 140162, MedGen C0027672, MeSH D009386, MONDO:0015356.

Submissions (2):

Ambry Genetics
Classification: Uncertain significance for Hereditary cancer-predisposing syndrome. Last evaluated: 2025-10-28. Review status: criteria provided, single submitter. Criteria: Ambry Variant Classification Scheme 2023. Collection method: clinical testing. Allele origin: germline.
Comment: The p.P281T variant (also known as c.841C>A), located in coding exon 7 of the SUFU gene, results from a C to A substitution at nucleotide position 841. The proline at codon 281 is replaced by threonine, an amino acid with highly similar properties. This amino acid position is conserved. In addition, the in silico prediction for this alteration is inconclusive. Based on the available evidence, the clinical significance of this variant remains unclear.

Labcorp Genetics (formerly Invitae), Labcorp
Classification: Uncertain significance for Gorlin syndrome; Medulloblastoma. Last evaluated: 2022-08-23. Review status: criteria provided, single submitter. Criteria: Invitae Variant Classification Sherloc (09022015). Collection method: clinical testing. Allele origin: germline.
Comment: This sequence change replaces proline, which is neutral and non-polar, with threonine, which is neutral and polar, at codon 281 of the SUFU protein (p.Pro281Thr). This variant is not present in population databases (gnomAD no frequency). This variant has not been reported in the literature in individuals affected with SUFU-related conditions. ClinVar contains an entry for this variant (Variation ID: 963757). Algorithms developed to predict the effect of missense changes on protein structure and function (SIFT, PolyPhen-2, Align-GVGD) all suggest that this variant is likely to be tolerated. In summary, the available evidence is currently insufficient to determine the role of this variant in disease. Therefore, it has been classified as a Variant of Uncertain Significance.